The following is an entry in ClinVar:

NM_013275.6(ANKRD11):c.6876C>T (p.Asp2292=)

Gene: ANKRD11 (ankyrin repeat domain 11; minus strand). Cytogenetic location: 16q24.3.
Variant type: single nucleotide variant.
Coding change: c.6876C>T on transcript NM_013275.6 (MANE Select); coding-DNA position 6876, C replaced by T.
Protein change: p.Asp2292=; no amino-acid change (aspartic acid 2292 retained).
Molecular consequence: synonymous variant.
Genome position (GRCh38, 1-based): chr16:89,279,666, G>A on the plus strand (C>T on the coding strand, the complement: ANKRD11 is on the minus strand). VCF-style: chr16-89279666-G-A. GRCh37 (hg19) VCF-style: chr16-89346074-G-A.
Other names: c.6876C>T, p.Asp2292= (NM_001256182.2, NM_001256183.2).
Identifiers: ClinVar variation 2144604 (VCV002144604.11), dbSNP rs1023089135, ClinGen allele CA286509723.

ClinVar aggregate classification (germline): Likely benign. Review status: criteria provided, multiple submitters, no conflicts (2 of 4 stars). 3 submissions from 3 submitters: Likely benign (3). Last evaluated 2025-12-01.

Conditions:
KBG syndrome (KBGS). Also called: ANKRD11-Related KBG Syndrome. Identifiers: Orphanet 2332, MedGen C0220687, MONDO:0007846, OMIM 148050.

Allele frequency attached by ClinVar (database versions not stated): TOPMed 0.00003; gnomAD 0.00004.
gnomAD v4.1: 33 of 1,456,970 alleles (0.0023%); highest among the groups gnomAD compares: African/African-American, 0.0028%; no homozygotes.

Submissions (3):

Labcorp Genetics (formerly Invitae), Labcorp
Classification: Likely benign for KBG syndrome. Last evaluated: 2025-12-01. Review status: criteria provided, single submitter. Criteria: Invitae Variant Classification Sherloc (09022015). Collection method: clinical testing. Allele origin: germline.

CeGaT Center for Human Genetics Tuebingen
Classification: Likely benign. Last evaluated: 2025-10-01. Review status: criteria provided, single submitter. Criteria: CeGaT Center For Human Genetics Tuebingen Variant Classification Criteria Version 2. Collection method: clinical testing. Allele origin: germline. Affected: yes. Observed: 1 variant allele.
Comment: ANKRD11: BP4, BP7

Blueprint Genetics
Classification: Likely benign. Last evaluated: 2023-01-24. Review status: criteria provided, single submitter. Criteria: ACMG Guidelines, 2015. Collection method: clinical testing. Allele origin: germline.